The following is an entry in ClinVar:

NM_000152.5(GAA):c.2294G>A (p.Gly765Asp)

Gene: GAA (alpha glucosidase; plus strand). Cytogenetic location: 17q25.3.
Variant type: single nucleotide variant.
Coding change: c.2294G>A on transcript NM_000152.5 (MANE Select); coding-DNA position 2294, G replaced by A.
Protein change: p.Gly765Asp; replaces glycine 765 with aspartic acid.
Molecular consequence: missense variant.
Genome position (GRCh38, 1-based): chr17:80,117,072, G>A. VCF-style: chr17-80117072-G-A. GRCh37 (hg19) VCF-style: chr17-78090871-G-A.
Other names: c.2294G>A (NM_000152.4, NM_000152.3); c.2294G>A, p.Gly765Asp (NM_001079803.3, NM_001079804.3); short protein forms G765D.
Identifiers: ClinVar variation 1042001 (VCV001042001.15), dbSNP rs1292367136, ClinGen allele CA401324880.

ClinVar aggregate classification (germline): Conflicting classifications of pathogenicity. Review status: criteria provided, conflicting classifications (1 of 4 stars). 6 submissions from 6 submitters: Likely pathogenic (3); Uncertain significance (3). Last evaluated 2026-07-01.

Conditions:
Glycogen storage disease, type II (IOPD). Also called: CARDIOMEGALIA GLYCOGENICA DIFFUSA; GLYCOGENOSIS, GENERALIZED, CARDIAC FORM; GSD II; Glycogen storage disease type 2; Acid maltase deficiency disease; Aglucosidase alfa. Identifiers: Orphanet 365, MedGen C0017921, MONDO:0009290, OMIM 232300.

Allele frequency attached by ClinVar (database versions not stated): TOPMed below 0.00001.

Submissions (6):

Genomenon, Inc
Classification: Uncertain significance for Glycogen storage disease, type II. Last evaluated: 2026-07-01. Review status: criteria provided, single submitter. Criteria: Genomenon Sequence Variant Interpretation Standards - Updated. Collection method: curation. Allele origin: germline. Affected: yes.
Comment: GAA p.Gly765Asp (c.2294G>A) is a missense variant that changes the amino acid at codon 765 from Glycine to Aspartic acid. This variant has been observed in at least one proband with a GAA-related disorder (PMID:31342611). It is absent or not present at a significant frequency in gnomAD. In silico models predict that this variant is possibly or probably damaging. In conclusion, we classify GAA p.Gly765Asp (c.2294G>A) as a variant of uncertain significance.

Women's Health and Genetics/Laboratory Corporation of America, LabCorp
Classification: Uncertain significance. Last evaluated: 2025-07-25. Review status: criteria provided, single submitter. Criteria: LabCorp Variant Classification Summary - May 2015. Collection method: clinical testing. Allele origin: germline.
Comment: Variant summary: GAA c.2294G>A (p.Gly765Asp) results in a non-conservative amino acid change in the encoded protein sequence. Algorithms developed to predict the effect of missense changes on protein structure and function all suggest that this variant is likely to be disruptive. The variant was absent in 250094 control chromosomes. c.2294G>A has been observed in individuals affected with Glycogen Storage Disease, Type 2 (Pompe Disease) (e.g., Kishnani_2019, Internal data). These data indicate that the variant may be associated with disease. To our knowledge, no experimental evidence demonstrating an impact on protein function has been reported. The following publication has been ascertained in the context of this evaluation (PMID: 31086307). ClinVar contains an entry for this variant (Variation ID: 1042001). Based on the evidence outlined above, the variant was classified as VUS-possibly pathogenic.

GeneDx
Classification: Uncertain significance. Last evaluated: 2025-05-15. Review status: criteria provided, single submitter. Criteria: GeneDx Variant Classification Process June 2021. Collection method: clinical testing. Allele origin: germline. Affected: yes.
Comment: Not observed at significant frequency in large population cohorts (gnomAD); In silico analysis supports that this missense variant has a deleterious effect on protein structure/function; This variant is associated with the following publications: (PMID: 19343043, 22253258, 31086307)

Revvity Omics, Revvity
Classification: Likely pathogenic. Last evaluated: 2025-04-24. Review status: criteria provided, single submitter. Criteria: ACMG Guidelines, 2015. Collection method: clinical testing. Allele origin: germline.

Labcorp Genetics (formerly Invitae), Labcorp
Classification: Likely pathogenic for Glycogen storage disease, type II. Last evaluated: 2023-12-02. Review status: criteria provided, single submitter. Criteria: Invitae Variant Classification Sherloc (09022015). Collection method: clinical testing. Allele origin: germline.
Comment: This sequence change replaces glycine, which is neutral and non-polar, with aspartic acid, which is acidic and polar, at codon 765 of the GAA protein (p.Gly765Asp). This variant is not present in population databases (gnomAD no frequency). This missense change has been observed in individuals with Pompe disease (PMID: 31086307; Invitae). ClinVar contains an entry for this variant (Variation ID: 1042001). Advanced modeling of protein sequence and biophysical properties (such as structural, functional, and spatial information, amino acid conservation, physicochemical variation, residue mobility, and thermodynamic stability) performed at Invitae indicates that this missense variant is expected to disrupt GAA protein function with a positive predictive value of 95%. In summary, the currently available evidence indicates that the variant is pathogenic, but additional data are needed to prove that conclusively. Therefore, this variant has been classified as Likely Pathogenic.

Baylor Genetics
Classification: Likely pathogenic for Glycogen storage disease, type II. Last evaluated: 2023-10-13. Review status: criteria provided, single submitter. Criteria: ACMG Guidelines, 2015. Collection method: clinical testing. Allele origin: unknown.

Literature cited by the submitters: PubMed 31342611 (cited by Genomenon, Inc); PubMed 31086307 (cited by Women's Health and Genetics/Laboratory Corporation of America, LabCorp and Labcorp Genetics (formerly Invitae), Labcorp).